The following is an entry in ClinVar:

ClinVar aggregate classification (germline): Likely benign (1 of 4 stars; one submission).

gnomAD v4.1: 64 of 1,614,074 alleles (0.004%); highest among the groups gnomAD compares: East Asian, 0.033%; no homozygotes.

Submission:

CeGaT Center for Human Genetics Tuebingen
Classification: Likely benign. Last evaluated: 2026-02-01. Review status: criteria provided, single submitter. Criteria: CeGaT Center For Human Genetics Tuebingen Variant Classification Criteria Version 2. Collection method: clinical testing. Allele origin: germline. Affected: yes. Observed: 1 variant allele.
Comment: SERPIND1: BP4

NM_000185.4(SERPIND1):c.193G>A (p.Val65Ile)

Genes: PI4KA (phosphatidylinositol 4-kinase alpha; minus strand), SERPIND1 (serpin family D member 1; plus strand). Cytogenetic location: 22q11.21.
Variant type: single nucleotide variant.
Coding change: c.193G>A on transcript NM_000185.4 (MANE Select); coding-DNA position 193, G replaced by A.
Protein change: p.Val65Ile; replaces valine 65 with isoleucine.
Molecular consequence: missense variant. On other transcripts: intron variant (3).
Genome position (GRCh38, 1-based): chr22:20,779,505, G>A. VCF-style: chr22-20779505-G-A. GRCh37 (hg19) VCF-style: chr22-21133793-G-A.
Other names: c.2262+13688C>T (NM_001362863.2); c.2328+13688C>T (NM_001362862.2, NM_058004.4); short protein forms V65I.
Identifiers: ClinVar variation 4822085 (VCV004822085.4).